The following is an entry in ClinVar:

ClinVar aggregate classification (germline): Likely benign. Review status: criteria provided, multiple submitters, no conflicts (2 of 4 stars). 5 submissions from 5 submitters: Likely benign (4). 1 of the submissions does not count toward it. Last evaluated 2026-02-01.

Conditions:
IL6ST-related disorder. Also called: IL6ST-related condition.

Allele frequency attached by ClinVar (database versions not stated): 1000 Genomes Project 0.00100; 1000 Genomes Project 30x 0.00125; gnomAD 0.00241 and 0.00243; TOPMed 0.00259; gnomAD exomes 0.00278 and 0.00420; ExAC 0.00286; ESP Exome Variant Server 0.00500.
gnomAD v4.1: 6,501 of 1,614,154 alleles (0.4%); highest among the groups gnomAD compares: Non-Finnish European, 0.47%; 18 homozygotes.

Submissions (5):

Labcorp Genetics (formerly Invitae), Labcorp
Classification: Likely benign. Last evaluated: 2026-02-01. Review status: criteria provided, single submitter. Criteria: Invitae Variant Classification Sherloc (09022015). Collection method: clinical testing. Allele origin: germline.

CeGaT Center for Human Genetics Tuebingen
Classification: Likely benign. Last evaluated: 2025-11-01. Review status: criteria provided, single submitter. Criteria: CeGaT Center For Human Genetics Tuebingen Variant Classification Criteria Version 2. Collection method: clinical testing. Allele origin: germline. Affected: yes. Observed: 3 variant alleles.
Comment: IL6ST: BS2

Blueprint Genetics
Classification: Likely benign. Last evaluated: 2024-10-22. Review status: criteria provided, single submitter. Criteria: ACMG Guidelines, 2015. Collection method: clinical testing. Allele origin: germline.

Breakthrough Genomics
Classification: Likely benign. Review status: criteria provided, single submitter. Criteria: ACMG Guidelines, 2015. Collection method: not provided. Allele origin: germline. Inheritance: Autosomal recessive inheritance. Affected: yes.

PreventionGenetics, part of Exact Sciences
Classification: Likely benign for IL6ST-related condition. Last evaluated: 2023-11-03. Review status: no assertion criteria provided. Collection method: clinical testing. Allele origin: germline. Not counted in ClinVar's aggregate classification.
Comment: This variant is classified as likely benign based on ACMG/AMP sequence variant interpretation guidelines (Richards et al. 2015 PMID: 25741868, with internal and published modifications).

NM_002184.4(IL6ST):c.2235T>G (p.Asp745Glu)

Gene: IL6ST (interleukin 6 cytokine family signal transducer; minus strand). Cytogenetic location: 5q11.2.
Variant type: single nucleotide variant.
Coding change: c.2235T>G on transcript NM_002184.4 (MANE Select); coding-DNA position 2235, T replaced by G.
Protein change: p.Asp745Glu; replaces aspartic acid 745 with glutamic acid.
Molecular consequence: missense variant. On other transcripts: 3 prime UTR variant (1), non-coding transcript variant (2).
Genome position (GRCh38, 1-based): chr5:55,941,604, A>C on the plus strand (T>G on the coding strand, the complement: IL6ST is on the minus strand). VCF-style: chr5-55941604-A-C. GRCh37 (hg19) VCF-style: chr5-55237432-A-C.
Other names: c.2052T>G, p.Asp684Glu (NM_001190981.2); c.2133T>G, p.Asp711Glu (NM_001364275.2); c.2025T>G, p.Asp675Glu (NM_001364276.2); c.1368T>G, p.Asp456Glu (NM_001364277.2); c.1332T>G, p.Asp444Glu (NM_001364278.2); c.1239T>G, p.Asp413Glu (NM_001364279.2); c.*1162T>G (NM_175767.3); c.2235T>G (NM_002184.3); short protein forms D413E, D444E, D456E, D675E, D684E, D711E, D745E.
Identifiers: ClinVar variation 1156517 (VCV001156517.35), dbSNP rs61755738, ClinGen allele CA3271185.